The following is an entry in ClinVar:

ClinVar aggregate classification (germline): Pathogenic/Likely pathogenic. Review status: criteria provided, multiple submitters, no conflicts (2 of 4 stars). 3 submissions from 3 submitters: Pathogenic (1); Likely pathogenic (2). Last evaluated 2025-04-16.

Conditions:
Galactosylceramide beta-galactosidase deficiency. Also called: Leukodystrophy, Globoid Cell; Krabbe Disease; GALACTOCEREBROSIDASE DEFICIENCY; GALC DEFICIENCY; GLOBOID CELL LEUKOENCEPHALOPATHY. Identifiers: Orphanet 487, MedGen C0023521, MONDO:0009499, OMIM 245200.

Allele frequency attached by ClinVar (database versions not stated): gnomAD exomes below 0.00001; TOPMed below 0.00001.
gnomAD v4.1: 2 of 1,612,976 alleles (0.00012%); highest among the groups gnomAD compares: Admixed American, 0.0017%; no homozygotes.

Submissions (3):

Natera, Inc.
Classification: Likely pathogenic for Galactosylceramide beta-galactosidase deficiency. Last evaluated: 2025-04-16. Review status: criteria provided, single submitter. Criteria: Natera Variant Classification Schema (03/2026). Collection method: clinical testing. Allele origin: germline.
Comment: The c.1450C>T variant in GALC is a nonsense variant predicted to introduce a stop codon at amino acid 484. This variant is expected to result in nonsense mediated decay, truncation, or a dysfunctional protein product. This variant is rare in the general population with a frequency below the threshold expected for the associated phenotype(s). Given the available evidence, this variant is classified as Likely Pathogenic.

Labcorp Genetics (formerly Invitae), Labcorp
Classification: Pathogenic for Galactosylceramide beta-galactosidase deficiency. Last evaluated: 2024-03-12. Review status: criteria provided, single submitter. Criteria: Invitae Variant Classification Sherloc (09022015). Collection method: clinical testing. Allele origin: germline.
Comment: This sequence change creates a premature translational stop signal (p.Gln484*) in the GALC gene. It is expected to result in an absent or disrupted protein product. Loss-of-function variants in GALC are known to be pathogenic (PMID: 7437911, 9272171, 16607461). This variant is not present in population databases (gnomAD no frequency). This variant has not been reported in the literature in individuals affected with GALC-related conditions. ClinVar contains an entry for this variant (Variation ID: 2087516). For these reasons, this variant has been classified as Pathogenic.

Revvity Omics, Revvity
Classification: Likely pathogenic. Last evaluated: 2022-12-01. Review status: criteria provided, single submitter. Criteria: ACMG Guidelines, 2015. Collection method: clinical testing. Allele origin: germline.

Literature cited by the submitters: PubMed 7437911 (cited by Labcorp Genetics (formerly Invitae), Labcorp); PubMed 9272171 (cited by Labcorp Genetics (formerly Invitae), Labcorp); PubMed 16607461 (cited by Labcorp Genetics (formerly Invitae), Labcorp).

NM_000153.4(GALC):c.1450C>T (p.Gln484Ter)

Gene: GALC (galactosylceramidase; minus strand). Cytogenetic location: 14q31.3.
Variant type: single nucleotide variant.
Coding change: c.1450C>T on transcript NM_000153.4 (MANE Select); coding-DNA position 1450, C replaced by T.
Protein change: p.Gln484Ter; replaces glutamine 484 with a stop codon.
Molecular consequence: nonsense.
Genome position (GRCh38, 1-based): chr14:87,947,767, G>A on the plus strand (C>T on the coding strand, the complement: GALC is on the minus strand). VCF-style: chr14-87947767-G-A. GRCh37 (hg19) VCF-style: chr14-88414111-G-A.
Other names: c.1450C>T (NM_000153.3); c.1381C>T, p.Gln461Ter (NM_001201401.2); c.1372C>T, p.Gln458Ter (NM_001201402.2); short protein forms Q461*, Q484*, Q458*.
Identifiers: ClinVar variation 2087516 (VCV002087516.8), dbSNP rs1885132066, ClinGen allele CA390746452.
Genomic context (GRCh38, chr14:87,947,767, plus strand): 5'-GTTTTAGTGAAAAATACTCACCAACATTGAAATCATCCTTATAGGTACTTGGGAAGGGCT[G>A]GGATTTTGGAGGAAGCGGGTAGCTGCCTTTGCGACCAGTGGTGAGAGTGGTGAGTGTGAA-3'